The following is an entry in ClinVar:

NM_000414.4(HSD17B4):c.58+147C>T

Gene: HSD17B4 (hydroxysteroid 17-beta dehydrogenase 4; plus strand). Cytogenetic location: 5q23.1.
Variant type: single nucleotide variant.
Coding change: c.58+147C>T on transcript NM_000414.4 (MANE Select); 147 bases into the intron after coding-DNA position 58, C replaced by T.
Molecular consequence: intron variant. On other transcripts: synonymous variant (1), 5 prime UTR variant (6), non-coding transcript variant (1).
Genome position (GRCh38, 1-based): chr5:119,452,780, C>T. VCF-style: chr5-119452780-C-T. GRCh37 (hg19) VCF-style: chr5-118788475-C-T.
Other names: c.27C>T, p.Leu9= (NM_001199291.3); c.-395C>T (NM_001292028.2, NM_001374501.1); c.-329C>T (NM_001374499.1); c.-522C>T (NM_001374500.1); c.-400C>T (NM_001374502.1); c.-465C>T (NM_001374503.1); c.-80+147C>T (NM_001292027.2); c.58+147C>T (NM_001374498.1, NM_001374497.1, NM_001199292.2).
Identifiers: ClinVar variation 3058315 (VCV003058315.2), dbSNP rs375453337, ClinGen allele CA3381631.

ClinVar aggregate classification (germline): Likely benign (0 of 4 stars; one submission).

Conditions:
HSD17B4-related disorder. Also called: HSD17B4-related disorders; HSD17B4-related condition.

Allele frequency attached by ClinVar (database versions not stated): TOPMed 0.00002; gnomAD 0.00003; ExAC 0.00015; 1000 Genomes Project 30x 0.00031; 1000 Genomes Project 0.00040.
gnomAD v4.1: 76 of 1,556,006 alleles (0.0049%); highest among the groups gnomAD compares: South Asian, 0.083%; 1 homozygote.

Submission:

PreventionGenetics, part of Exact Sciences
Classification: Likely benign for HSD17B4-related condition. Last evaluated: 2019-04-22. Review status: no assertion criteria provided. Collection method: clinical testing. Allele origin: germline.
Comment: This variant is classified as likely benign based on ACMG/AMP sequence variant interpretation guidelines (Richards et al. 2015 PMID: 25741868, with internal and published modifications).